The following is an entry in ClinVar:

ClinVar aggregate classification (germline): Uncertain significance (1 of 4 stars; one submission).

Allele frequency attached by ClinVar (database versions not stated): gnomAD exomes 0.00001; TOPMed 0.00001; ESP Exome Variant Server 0.00008.
gnomAD v4.1: 7 of 1,549,206 alleles (0.00045%); highest among the groups gnomAD compares: African/African-American, 0.0014%; no homozygotes.

Submission:

Labcorp Genetics (formerly Invitae), Labcorp
Classification: Uncertain significance. Last evaluated: 2025-03-11. Review status: criteria provided, single submitter. Criteria: Invitae Variant Classification Sherloc (09022015). Collection method: clinical testing. Allele origin: germline.
Comment: This sequence change replaces serine, which is neutral and polar, with asparagine, which is neutral and polar, at codon 19 of the CCBE1 protein (p.Ser19Asn). The frequency data for this variant in the population databases is considered unreliable, as metrics indicate poor data quality at this position in the gnomAD database. This variant has not been reported in the literature in individuals affected with CCBE1-related conditions. ClinVar contains an entry for this variant (Variation ID: 2186495). An algorithm developed to predict the effect of missense changes on protein structure and function (PolyPhen-2) suggests that this variant is likely to be disruptive. In summary, the available evidence is currently insufficient to determine the role of this variant in disease. Therefore, it has been classified as a Variant of Uncertain Significance.

NM_133459.4(CCBE1):c.56G>A (p.Ser19Asn)

Gene: CCBE1 (collagen and calcium binding EGF domains 1; minus strand). Cytogenetic location: 18q21.32.
Variant type: single nucleotide variant.
Coding change: c.56G>A on transcript NM_133459.4 (MANE Select); coding-DNA position 56, G replaced by A.
Protein change: p.Ser19Asn; replaces serine 19 with asparagine.
Molecular consequence: missense variant.
Genome position (GRCh38, 1-based): chr18:59,697,287, C>T on the plus strand (G>A on the coding strand, the complement: CCBE1 is on the minus strand). VCF-style: chr18-59697287-C-T. GRCh37 (hg19) VCF-style: chr18-57364519-C-T.
Other names: short protein forms S19N.
Identifiers: ClinVar variation 2186495 (VCV002186495.4), dbSNP rs374941368, ClinGen allele CA301450745.